The following is an entry in ClinVar:

ClinVar aggregate classification (germline): Uncertain significance (1 of 4 stars; one submission).

gnomAD v4.1: 5 of 1,257,660 alleles (0.0004%); highest among the groups gnomAD compares: Non-Finnish European, 0.00055%; no homozygotes.

Submission:

Labcorp Genetics (formerly Invitae), Labcorp
Classification: Uncertain significance. Last evaluated: 2025-12-18. Review status: criteria provided, single submitter. Criteria: Invitae Variant Classification Sherloc (09022015). Collection method: clinical testing. Allele origin: germline.
Comment: This sequence change affects a donor splice site in intron 3 of the LRRCC1 gene. It is expected to disrupt RNA splicing. Variants that disrupt the donor or acceptor splice site typically lead to a loss of protein function (PMID: 16199547), however the current clinical and genetic evidence is not sufficient to establish whether loss-of-function variants in LRRCC1 cause disease. This variant is present in population databases (rs763700736, gnomAD 0.002%). This variant has not been reported in the literature in individuals affected with LRRCC1-related conditions. Algorithms developed to predict the effect of sequence changes on RNA splicing suggest that this variant may disrupt the consensus splice site. In summary, the available evidence is currently insufficient to determine the role of this variant in disease. Therefore, it has been classified as a Variant of Uncertain Significance.

Literature cited by the submitters: PubMed 16199547.

NM_033402.5(LRRCC1):c.376+2T>G

Gene: LRRCC1 (leucine rich repeat and coiled-coil centrosomal protein 1; plus strand). Cytogenetic location: 8q21.2.
Variant type: single nucleotide variant.
Coding change: c.376+2T>G on transcript NM_033402.5 (MANE Select); the canonical splice donor site of the intron after coding-DNA position 376, T replaced by G.
Molecular consequence: splice donor variant.
Genome position (GRCh38, 1-based): chr8:85,110,182, T>G. VCF-style: chr8-85110182-T-G. GRCh37 (hg19) VCF-style: chr8-86022417-T-G.
Other names: c.-93+2T>G (NM_001349637.2); c.-136+2T>G (NM_001349638.2); c.97+2T>G (NM_001349636.2); c.-182+2T>G (NM_001349639.2).
Identifiers: ClinVar variation 4810829 (VCV004810829.1).